The following is an entry in ClinVar:

NM_016239.4(MYO15A):c.1451del (p.Gln484fs)

Gene: MYO15A (myosin XVA; plus strand). Cytogenetic location: 17p11.2.
Variant type: Deletion.
Coding change: c.1451del on transcript NM_016239.4 (MANE Select); coding-DNA position 1451, one base deleted (A; older notation c.1451delA).
Protein change: p.Gln484fs; shifts the reading frame from glutamine 484.
Molecular consequence: frameshift variant.
Genome position (GRCh38, 1-based): chr17:18,120,251, A deleted. VCF-style (leftmost placement, unchanged base first): chr17-18120250-CA-C. GRCh37 (hg19) VCF-style: chr17-18023564-CA-C.
Other names: short protein forms Q484fs.
Identifiers: ClinVar variation 2824441 (VCV002824441.3), dbSNP rs2545180675, ClinGen allele CA2739267199.

ClinVar aggregate classification (germline): Pathogenic (1 of 4 stars; one submission).

Submission:

Labcorp Genetics (formerly Invitae), Labcorp
Classification: Pathogenic. Last evaluated: 2022-12-26. Review status: criteria provided, single submitter. Criteria: Invitae Variant Classification Sherloc (09022015). Collection method: clinical testing. Allele origin: germline.
Comment: This sequence change creates a premature translational stop signal (p.Gln484Argfs*2) in the MYO15A gene. It is expected to result in an absent or disrupted protein product. Loss-of-function variants in MYO15A are known to be pathogenic (PMID: 17546645). This variant is not present in population databases (gnomAD no frequency). This variant has not been reported in the literature in individuals affected with MYO15A-related conditions. For these reasons, this variant has been classified as Pathogenic.

Literature cited by the submitters: PubMed 17546645.